The following is an entry in ClinVar:

ClinVar aggregate classification (germline): Conflicting classifications of pathogenicity. Review status: criteria provided, conflicting classifications (1 of 4 stars). 4 submissions from 4 submitters: Likely pathogenic (1); Uncertain significance (3). Last evaluated 2025-07-19.

Conditions:
Inborn genetic diseases. Identifiers: MedGen C0950123, MeSH D030342.

gnomAD v4.1: 25 of 1,614,130 alleles (0.0015%); highest among the groups gnomAD compares: Non-Finnish European, 0.0018%; no homozygotes.

Submissions (4):

GeneDx
Classification: Likely pathogenic. Last evaluated: 2025-07-19. Review status: criteria provided, single submitter. Criteria: GeneDx Variant Classification Process June 2021. Collection method: clinical testing. Allele origin: germline. Affected: yes.
Comment: Not observed at significant frequency in large population cohorts (gnomAD); In silico analysis supports that this missense variant has a deleterious effect on protein structure/function; This variant is associated with the following publications: (PMID: 34851365)

Women's Health and Genetics/Laboratory Corporation of America, LabCorp
Classification: Uncertain significance. Last evaluated: 2024-06-03. Review status: criteria provided, single submitter. Criteria: LabCorp Variant Classification Summary - May 2015. Collection method: clinical testing. Allele origin: germline.
Comment: Variant summary: ALOXE3 c.203G>C (p.Arg68Pro) results in a non-conservative amino acid change located in the PLAT/LH2 domain (IPR001024) of the encoded protein sequence. Five of five in-silico tools predict a damaging effect of the variant on protein function. The variant allele was found at a frequency of 8e-06 in 251360 control chromosomes (gnomAD). The available data on variant occurrences in the general population are insufficient to allow any conclusion about variant significance. c.203G>C has been reported in the literature in an individual affected with ichthyosis (Sun_2022). These report(s) do not provide unequivocal conclusions about association of the variant with Lamellar Ichthyosis. To our knowledge, no experimental evidence demonstrating an impact on protein function has been reported. The following publication have been ascertained in the context of this evaluation (PMID: 34851365). ClinVar contains an entry for this variant (Variation ID: 3113018). Based on the evidence outlined above, the variant was classified as uncertain significance.

Labcorp Genetics (formerly Invitae), Labcorp
Classification: Uncertain significance. Last evaluated: 2024-03-13. Review status: criteria provided, single submitter. Criteria: Invitae Variant Classification Sherloc (09022015). Collection method: clinical testing. Allele origin: germline.
Comment: This sequence change replaces arginine, which is basic and polar, with proline, which is neutral and non-polar, at codon 68 of the ALOXE3 protein (p.Arg68Pro). This variant is present in population databases (rs763500580, gnomAD 0.003%). This missense change has been observed in individual(s) with ALOXE3-related conditions (Invitae). In at least one individual the data is consistent with being in trans (on the opposite chromosome) from a pathogenic variant. Advanced modeling of protein sequence and biophysical properties (such as structural, functional, and spatial information, amino acid conservation, physicochemical variation, residue mobility, and thermodynamic stability) performed at Invitae indicates that this missense variant is expected to disrupt ALOXE3 protein function with a positive predictive value of 80%. In summary, the available evidence is currently insufficient to determine the role of this variant in disease. Therefore, it has been classified as a Variant of Uncertain Significance.

Ambry Genetics
Classification: Uncertain significance for Inborn genetic diseases. Last evaluated: 2023-12-08. Review status: criteria provided, single submitter. Criteria: Ambry Variant Classification Scheme 2023. Collection method: clinical testing. Allele origin: germline.

Literature cited by the submitters: PubMed 34851365 (cited by Women's Health and Genetics/Laboratory Corporation of America, LabCorp).

NM_021628.3(ALOXE3):c.203G>C (p.Arg68Pro)

Gene: ALOXE3 (arachidonate epidermal lipoxygenase 3; minus strand). Cytogenetic location: 17p13.1.
Variant type: single nucleotide variant.
Coding change: c.203G>C on transcript NM_021628.3 (MANE Select); coding-DNA position 203, G replaced by C.
Protein change: p.Arg68Pro; replaces arginine 68 with proline.
Molecular consequence: missense variant.
Genome position (GRCh38, 1-based): chr17:8,116,925, C>G on the plus strand (G>C on the coding strand, the complement: ALOXE3 is on the minus strand). VCF-style: chr17-8116925-C-G. GRCh37 (hg19) VCF-style: chr17-8020243-C-G.
Other names: c.599G>C, p.Arg200Pro (NM_001165960.1); c.203G>C, p.Arg68Pro (NM_001369446.1); short protein forms R200P, R68P.
Identifiers: ClinVar variation 3113018 (VCV003113018.5), dbSNP rs763500580, ClinGen allele CA8368502.